The following is an entry in ClinVar:

ClinVar aggregate classification (germline): Uncertain significance (1 of 4 stars; one submission).

Conditions:
Epilepsy, childhood absence, susceptibility to, 5. Identifiers: Orphanet 64280, MedGen C2677087, MONDO:0012843, OMIM 612269.
Epilepsy, childhood absence, susceptibility to, 1. Also called: Epilepsy, childhood absence 1. Identifiers: Orphanet 64280, MedGen C1838604, MONDO:0020759, OMIM 600131.

Allele frequency attached by ClinVar (database versions not stated): gnomAD exomes below 0.00001; gnomAD 0.00001; TOPMed 0.00001.
gnomAD v4.1: 2 of 1,613,996 alleles (0.00012%); highest among the groups gnomAD compares: Non-Finnish European, 0.00017%; no homozygotes.

Submission:

Labcorp Genetics (formerly Invitae), Labcorp
Classification: Uncertain significance for Epilepsy, childhood absence, susceptibility to, 5; Epilepsy, childhood absence, susceptibility to, 1. Last evaluated: 2021-07-13. Review status: criteria provided, single submitter. Criteria: Invitae Variant Classification Sherloc (09022015). Collection method: clinical testing. Allele origin: germline.
Comment: In summary, the available evidence is currently insufficient to determine the role of this variant in disease. Therefore, it has been classified as a Variant of Uncertain Significance. Advanced modeling of protein sequence and biophysical properties (such as structural, functional, and spatial information, amino acid conservation, physicochemical variation, residue mobility, and thermodynamic stability) performed at Invitae indicates that this missense variant is not expected to disrupt GABRB3 protein function. This variant has not been reported in the literature in individuals affected with GABRB3-related conditions. This variant is not present in population databases (ExAC no frequency). This sequence change replaces proline with serine at codon 103 of the GABRB3 protein (p.Pro103Ser). The proline residue is moderately conserved and there is a moderate physicochemical difference between proline and serine.

NM_000814.6(GABRB3):c.307C>T (p.Pro103Ser)

Gene: GABRB3 (gamma-aminobutyric acid type A receptor subunit beta3; minus strand). Cytogenetic location: 15q12.
Variant type: single nucleotide variant.
Coding change: c.307C>T on transcript NM_000814.6 (MANE Select); coding-DNA position 307, C replaced by T.
Protein change: p.Pro103Ser; replaces proline 103 with serine.
Molecular consequence: missense variant. On other transcripts: non-coding transcript variant (1).
Genome position (GRCh38, 1-based): chr15:26,621,468, G>A on the plus strand (C>T on the coding strand, the complement: GABRB3 is on the minus strand). VCF-style: chr15-26621468-G-A. GRCh37 (hg19) VCF-style: chr15-26866615-G-A.
Other names: c.52C>T, p.Pro18Ser (NM_001191320.2, NM_001278631.2); c.94C>T, p.Pro32Ser (NM_001191321.3); c.307C>T, p.Pro103Ser (NM_021912.5); short protein forms P103S, P18S, P32S.
Identifiers: ClinVar variation 1355874 (VCV001355874.8), dbSNP rs267604145, ClinGen allele CA268161502.